The following is an entry in ClinVar:

ClinVar aggregate classification (germline): Uncertain significance. Review status: criteria provided, multiple submitters, no conflicts (2 of 4 stars). 2 submissions from 2 submitters: Uncertain significance (2). Last evaluated 2025-10-02.

Allele frequency attached by ClinVar (database versions not stated): ExAC 0.00003; TOPMed 0.00009; gnomAD 0.00010 and 0.00012; ESP Exome Variant Server 0.00015; 1000 Genomes Project 0.00020; 1000 Genomes Project 30x 0.00031.
gnomAD v4.1: 36 of 1,613,068 alleles (0.0022%); highest among the groups gnomAD compares: Middle Eastern, 0.036%; no homozygotes.

Submissions (2):

Ambry Genetics
Classification: Uncertain significance. Last evaluated: 2025-10-02. Review status: criteria provided, single submitter. Criteria: Ambry Variant Classification Scheme 2023. Collection method: clinical testing. Allele origin: germline.

Labcorp Genetics (formerly Invitae), Labcorp
Classification: Uncertain significance. Last evaluated: 2024-10-24. Review status: criteria provided, single submitter. Criteria: Invitae Variant Classification Sherloc (09022015). Collection method: clinical testing. Allele origin: germline.
Comment: This sequence change replaces arginine, which is basic and polar, with histidine, which is basic and polar, at codon 520 of the ADGRA3 protein (p.Arg520His). This variant is present in population databases (rs372207735, gnomAD 0.03%). This variant has not been reported in the literature in individuals affected with ADGRA3-related conditions. ClinVar contains an entry for this variant (Variation ID: 1027099). An algorithm developed to predict the effect of missense changes on protein structure and function outputs the following: PolyPhen-2: "Benign". The histidine amino acid residue is found in multiple mammalian species, which suggests that this missense change does not adversely affect protein function. In summary, the available evidence is currently insufficient to determine the role of this variant in disease. Therefore, it has been classified as a Variant of Uncertain Significance.

NM_145290.4(ADGRA3):c.1559G>A (p.Arg520His)

Gene: ADGRA3 (adhesion G protein-coupled receptor A3; minus strand). Cytogenetic location: 4p15.2.
Variant type: single nucleotide variant.
Coding change: c.1559G>A on transcript NM_145290.4 (MANE Select); coding-DNA position 1559, G replaced by A.
Protein change: p.Arg520His; replaces arginine 520 with histidine.
Molecular consequence: missense variant.
Genome position (GRCh38, 1-based): chr4:22,424,237, C>T on the plus strand (G>A on the coding strand, the complement: ADGRA3 is on the minus strand). VCF-style: chr4-22424237-C-T. GRCh37 (hg19) VCF-style: chr4-22425860-C-T.
Other names: c.1559G>A (NM_145290.2); short protein forms R520H.
Identifiers: ClinVar variation 1027099 (VCV001027099.12), dbSNP rs372207735, ClinGen allele CA2873921.